The following is an entry in ClinVar:

ClinVar aggregate classification (germline): Uncertain significance (1 of 4 stars; one submission).

Allele frequency attached by ClinVar (database versions not stated): ExAC 0.00001; gnomAD exomes 0.00001; TOPMed 0.00001; gnomAD 0.00002.
gnomAD v4.1: 7 of 1,614,064 alleles (0.00043%); highest among the groups gnomAD compares: Non-Finnish European, 0.00059%; no homozygotes.

Submission:

Labcorp Genetics (formerly Invitae), Labcorp
Classification: Uncertain significance. Last evaluated: 2022-07-28. Review status: criteria provided, single submitter. Criteria: Invitae Variant Classification Sherloc (09022015). Collection method: clinical testing. Allele origin: germline.
Comment: This sequence change replaces glutamine, which is neutral and polar, with arginine, which is basic and polar, at codon 1459 of the DMXL2 protein (p.Gln1459Arg). This variant is present in population databases (rs765420026, gnomAD 0.0009%). This variant has not been reported in the literature in individuals affected with DMXL2-related conditions. Algorithms developed to predict the effect of missense changes on protein structure and function output the following: SIFT: "Tolerated"; PolyPhen-2: "Benign"; Align-GVGD: "Class C0". The arginine amino acid residue is found in multiple mammalian species, which suggests that this missense change does not adversely affect protein function. In summary, the available evidence is currently insufficient to determine the role of this variant in disease. Therefore, it has been classified as a Variant of Uncertain Significance.

NM_001378457.1(DMXL2):c.4376A>G (p.Gln1459Arg)

Gene: DMXL2 (Dmx like 2; minus strand). Cytogenetic location: 15q21.2.
Variant type: single nucleotide variant.
Coding change: c.4376A>G on transcript NM_001378457.1 (MANE Select); coding-DNA position 4376, A replaced by G.
Protein change: p.Gln1459Arg; replaces glutamine 1459 with arginine.
Molecular consequence: missense variant. On other transcripts: non-coding transcript variant (2), intron variant (2).
Genome position (GRCh38, 1-based): chr15:51,498,848, T>C on the plus strand (A>G on the coding strand, the complement: DMXL2 is on the minus strand). VCF-style: chr15-51498848-T-C. GRCh37 (hg19) VCF-style: chr15-51791045-T-C.
Other names: c.4376A>G, p.Gln1459Arg (NM_001174116.3, NM_001378458.1, NM_001378459.1 and 4 more transcripts); c.4136A>G, p.Gln1379Arg (NM_001378464.1); c.2765-7101A>G (NM_001378460.1); c.2765-3714A>G (NM_001174117.3); short protein forms Q1379R, Q1459R.
Identifiers: ClinVar variation 1903392 (VCV001903392.2), dbSNP rs765420026, ClinGen allele CA7562020.